The following is an entry in ClinVar:

ClinVar aggregate classification (germline): Likely benign (1 of 4 stars; one submission).

Conditions:
PKD1-related disorder. Also called: PKD1-related condition.

Submission:

PreventionGenetics, part of Exact Sciences
Classification: Likely benign for PKD1-related condition. Last evaluated: 2026-09-21. Review status: criteria provided, single submitter. Criteria: ACMG Guidelines, 2015. Collection method: clinical testing. Allele origin: germline.
Comment: This variant is classified as likely benign based on ACMG/AMP sequence variant interpretation guidelines (Richards et al. 2015 PMID: 25741868, with internal and published modifications).

NM_001009944.3(PKD1):c.5013C>T (p.Asp1671=)

Gene: PKD1 (polycystin 1, transient receptor potential channel interacting; minus strand). Cytogenetic location: 16p13.3.
Variant type: single nucleotide variant.
Coding change: c.5013C>T on transcript NM_001009944.3 (MANE Select); coding-DNA position 5013, C replaced by T.
Protein change: p.Asp1671=; no amino-acid change (aspartic acid 1671 retained).
Molecular consequence: synonymous variant.
Genome position (GRCh38, 1-based): chr16:2,110,154, G>A on the plus strand (C>T on the coding strand, the complement: PKD1 is on the minus strand). VCF-style: chr16-2110154-G-A. GRCh37 (hg19) VCF-style: chr16-2160155-G-A.
Other names: c.5013C>T, p.Asp1671= (NM_000296.4).
Identifiers: ClinVar variation 4996460 (VCV004996460.1).